The following is an entry in ClinVar:

ClinVar aggregate classification (germline): Uncertain significance. Review status: criteria provided, single submitter (1 of 4 stars). 2 submissions from 2 submitters: Uncertain significance (1). 1 of the submissions does not count toward it. Last evaluated 2025-11-10.

Conditions:
ANKRD11-related disorder. Also called: ANKRD11-related condition.
KBG syndrome (KBGS). Also called: ANKRD11-Related KBG Syndrome. Identifiers: Orphanet 2332, MedGen C0220687, MONDO:0007846, OMIM 148050.

Allele frequency attached by ClinVar (database versions not stated): gnomAD exomes 0.00001; gnomAD 0.00010; 1000 Genomes Project 30x 0.00016.
gnomAD v4.1: 26 of 1,513,374 alleles (0.0017%); highest among the groups gnomAD compares: African/African-American, 0.033%; no homozygotes.

Submissions (2):

Labcorp Genetics (formerly Invitae), Labcorp
Classification: Uncertain significance for KBG syndrome. Last evaluated: 2025-11-10. Review status: criteria provided, single submitter. Criteria: Invitae Variant Classification Sherloc (09022015). Collection method: clinical testing. Allele origin: germline.
Comment: This sequence change replaces alanine, which is neutral and non-polar, with serine, which is neutral and polar, at codon 2369 of the ANKRD11 protein (p.Ala2369Ser). The frequency data for this variant in the population databases is considered unreliable, as metrics indicate poor data quality at this position in the gnomAD database. This variant has not been reported in the literature in individuals affected with ANKRD11-related conditions. ClinVar contains an entry for this variant (Variation ID: 2076568). Invitae Evidence Modeling of protein sequence and biophysical properties (such as structural, functional, and spatial information, amino acid conservation, physicochemical variation, residue mobility, and thermodynamic stability) indicates that this missense variant is not expected to disrupt ANKRD11 protein function with a negative predictive value of 95%. In summary, the available evidence is currently insufficient to determine the role of this variant in disease. Therefore, it has been classified as a Variant of Uncertain Significance.

PreventionGenetics, part of Exact Sciences
Classification: Uncertain significance for ANKRD11-related condition. Last evaluated: 2024-07-18. Review status: no assertion criteria provided. Collection method: clinical testing. Allele origin: germline. Not counted in ClinVar's aggregate classification.
Comment: The ANKRD11 c.7105G>T variant is predicted to result in the amino acid substitution p.Ala2369Ser. To our knowledge, this variant has not been reported in the literature. This variant is reported in 0.014% of alleles in individuals of African descent in gnomAD. At this time, the clinical significance of this variant is uncertain due to the absence of conclusive functional and genetic evidence.

NM_013275.6(ANKRD11):c.7105G>T (p.Ala2369Ser)

Gene: ANKRD11 (ankyrin repeat domain 11; minus strand). Cytogenetic location: 16q24.3.
Variant type: single nucleotide variant.
Coding change: c.7105G>T on transcript NM_013275.6 (MANE Select); coding-DNA position 7105, G replaced by T.
Protein change: p.Ala2369Ser; replaces alanine 2369 with serine.
Molecular consequence: missense variant.
Genome position (GRCh38, 1-based): chr16:89,279,437, C>A on the plus strand (G>T on the coding strand, the complement: ANKRD11 is on the minus strand). VCF-style: chr16-89279437-C-A. GRCh37 (hg19) VCF-style: chr16-89345845-C-A.
Other names: c.7105G>T, p.Ala2369Ser (NM_001256182.2, NM_001256183.2); c.7105G>T (NM_013275.5); short protein forms A2369S.
Identifiers: ClinVar variation 2076568 (VCV002076568.4), dbSNP rs904015120, ClinGen allele CA286509510.